The following is an entry in ClinVar:

NM_001110556.2(FLNA):c.2189C>T (p.Thr730Ile)

Gene: FLNA (filamin A; minus strand). Cytogenetic location: Xq28.
Variant type: single nucleotide variant.
Coding change: c.2189C>T on transcript NM_001110556.2 (MANE Select); coding-DNA position 2189, C replaced by T.
Protein change: p.Thr730Ile; replaces threonine 730 with isoleucine.
Molecular consequence: missense variant.
Genome position (GRCh38, 1-based): chrX:154,364,113, G>A on the plus strand (C>T on the coding strand, the complement: FLNA is on the minus strand). VCF-style: chrX-154364113-G-A. GRCh37 (hg19) VCF-style: chrX-153592481-G-A.
Other names: c.2189C>T, p.Thr730Ile (NM_001456.4); c.2189C>T (NM_001456.3); short protein forms T730I.
Identifiers: ClinVar variation 1953243 (VCV001953243.8), dbSNP rs2067736058, ClinGen allele CA415237997.

ClinVar aggregate classification (germline): Uncertain significance. Review status: criteria provided, multiple submitters, no conflicts (2 of 4 stars). 3 submissions from 3 submitters: Uncertain significance (3). Last evaluated 2026-03-24.

Conditions:
Oto-palato-digital syndrome, type II (OPD2). Also called: OPD II SYNDROME; FACIOPALATOOSSEOUS SYNDROME; Otopalatodigital Syndrome Type 2 (FLNA-OPD2); Otopalatodigital Syndrome, Type II. Identifiers: Orphanet 669, Orphanet 90652, MedGen C1844696, MONDO:0010571, OMIM 304120.
Heterotopia, periventricular, X-linked dominant (PVNH1). Also called: PERIVENTRICULAR NODULAR HETEROTOPIA 1; X-linked periventricular heterotopia; PERIVENTRICULAR NODULAR HETEROTOPIA 4; HETEROTOPIA, PERIVENTRICULAR, 1. Identifiers: Orphanet 2149, Orphanet 82004, MedGen C1848213, MONDO:0010233, OMIM 300049.
Melnick-Needles syndrome (MNS). Also called: MELNICK-NEEDLES OSTEODYSPLASTY; OSTEODYSPLASTY OF MELNICK AND NEEDLES; Melnick-Needles Syndrome (FLNA-MNS). Identifiers: Orphanet 2484, MedGen C0025237, MONDO:0010650, OMIM 309350.
Frontometaphyseal dysplasia (FMD1). Identifiers: Orphanet 1826, MedGen C0265293, MONDO:0015942.

Allele frequency attached by ClinVar (database versions not stated): gnomAD exomes below 0.00001.

Submissions (3):

GeneDx
Classification: Uncertain significance. Last evaluated: 2026-03-24. Review status: criteria provided, single submitter. Criteria: GeneDx Variant Classification Process June 2021. Collection method: clinical testing. Allele origin: germline.
Comment: Not observed at significant frequency in large population cohorts (gnomAD); In silico analysis supports that this missense variant has a deleterious effect on protein structure/function; Has not been previously published as pathogenic or benign to our knowledge

Labcorp Genetics (formerly Invitae), Labcorp
Classification: Uncertain significance for Oto-palato-digital syndrome, type II; Heterotopia, periventricular, X-linked dominant; Frontometaphyseal dysplasia; Melnick-Needles syndrome. Last evaluated: 2022-08-21. Review status: criteria provided, single submitter. Criteria: Invitae Variant Classification Sherloc (09022015). Collection method: clinical testing. Allele origin: germline.
Comment: Advanced modeling of protein sequence and biophysical properties (such as structural, functional, and spatial information, amino acid conservation, physicochemical variation, residue mobility, and thermodynamic stability) performed at Invitae indicates that this missense variant is not expected to disrupt FLNA protein function. In summary, the available evidence is currently insufficient to determine the role of this variant in disease. Therefore, it has been classified as a Variant of Uncertain Significance. This variant has not been reported in the literature in individuals affected with FLNA-related conditions. This variant is not present in population databases (gnomAD no frequency). This sequence change replaces threonine, which is neutral and polar, with isoleucine, which is neutral and non-polar, at codon 730 of the FLNA protein (p.Thr730Ile).

Blueprint Genetics
Classification: Uncertain significance. Last evaluated: 2020-04-06. Review status: criteria provided, single submitter. Criteria: ACMG Guidelines, 2015. Collection method: clinical testing. Allele origin: germline.